The following is an entry in ClinVar:

NM_020745.4(AARS2):c.10T>A (p.Ser4Thr)

Gene: AARS2 (alanyl-tRNA synthetase 2, mitochondrial; minus strand). Cytogenetic location: 6p21.1.
Variant type: single nucleotide variant.
Coding change: c.10T>A on transcript NM_020745.4 (MANE Select); coding-DNA position 10, T replaced by A.
Protein change: p.Ser4Thr; replaces serine 4 with threonine.
Molecular consequence: missense variant.
Genome position (GRCh38, 1-based): chr6:44,313,314, A>T on the plus strand (T>A on the coding strand, the complement: AARS2 is on the minus strand). VCF-style: chr6-44313314-A-T. GRCh37 (hg19) VCF-style: chr6-44281051-A-T.
Other names: p.S4T:TCA>ACA; short protein forms S4T.
Identifiers: ClinVar variation 213951 (VCV000213951.3), dbSNP rs755011099, ClinGen allele CA324513.

ClinVar aggregate classification (germline): Uncertain significance (1 of 4 stars; one submission).

Allele frequency attached by ClinVar (database versions not stated): gnomAD 0.00005 and 0.00006; TOPMed 0.00008.

Submission:

GeneDx
Classification: Uncertain significance. Last evaluated: 2024-12-09. Review status: criteria provided, single submitter. Criteria: GeneDx Variant Classification Process June 2021. Collection method: clinical testing. Allele origin: germline. Affected: yes.
Comment: Not observed at significant frequency in large population cohorts (gnomAD); In silico analysis indicates that this missense variant does not alter protein structure/function; Has not been previously published as pathogenic or benign to our knowledge